The following is an entry in ClinVar:

ClinVar aggregate classification (germline): Uncertain significance (1 of 4 stars; one submission).

Allele frequency attached by ClinVar (database versions not stated): gnomAD exomes below 0.00001; ExAC 0.00001; TOPMed 0.00002.

Submission:

Labcorp Genetics (formerly Invitae), Labcorp
Classification: Uncertain significance. Last evaluated: 2023-04-28. Review status: criteria provided, single submitter. Criteria: Invitae Variant Classification Sherloc (09022015). Collection method: clinical testing. Allele origin: germline.
Comment: In summary, the available evidence is currently insufficient to determine the role of this variant in disease. Therefore, it has been classified as a Variant of Uncertain Significance. Advanced modeling of protein sequence and biophysical properties (such as structural, functional, and spatial information, amino acid conservation, physicochemical variation, residue mobility, and thermodynamic stability) performed at Invitae indicates that this missense variant is not expected to disrupt PNLIP protein function. ClinVar contains an entry for this variant (Variation ID: 2417524). This variant has not been reported in the literature in individuals affected with PNLIP-related conditions. This variant is present in population databases (rs779444134, gnomAD 0.009%). This sequence change replaces asparagine, which is neutral and polar, with serine, which is neutral and polar, at codon 401 of the PNLIP protein (p.Asn401Ser).

NM_000936.4(PNLIP):c.1202A>G (p.Asn401Ser)

Gene: PNLIP (pancreatic lipase; plus strand). Cytogenetic location: 10q25.3.
Variant type: single nucleotide variant.
Coding change: c.1202A>G on transcript NM_000936.4 (MANE Select); coding-DNA position 1202, A replaced by G.
Protein change: p.Asn401Ser; replaces asparagine 401 with serine.
Molecular consequence: missense variant.
Genome position (GRCh38, 1-based): chr10:116,561,504, A>G. VCF-style: chr10-116561504-A-G. GRCh37 (hg19) VCF-style: chr10-118321016-A-G.
Other names: short protein forms N401S.
Identifiers: ClinVar variation 2417524 (VCV002417524.4), dbSNP rs779444134, ClinGen allele CA5706735.
Genomic context (GRCh38, chr10:116,561,504, plus strand): 5'-TGTTTTTGTTAACTTCTTAAATCCTTAGGGGCACTCTCAAACCAGATAGTACTCATTCCA[A>G]TGAATTTGACTCAGATGTGGATGTTGGGGACTTGCAGATGGTTAAATTTATTTGGTATAA-3'
Protein context (NP_000927.1, residues 391-411): GTLKPDSTHS[Asn401Ser]EFDSDVDVGD